The following is an entry in ClinVar:

ClinVar aggregate classification (germline): Uncertain significance (1 of 4 stars; one submission).

gnomAD v4.1: 1 of 1,611,112 alleles (0.000062%); highest among the groups gnomAD compares: Non-Finnish European, 0.000085%; no homozygotes.

Submissions (2):

Labcorp Genetics (formerly Invitae), Labcorp
Classification: Uncertain significance. Last evaluated: 2022-07-25. Review status: criteria provided, single submitter. Criteria: Invitae Variant Classification Sherloc (09022015). Collection method: clinical testing. Allele origin: germline.
Comment: Algorithms developed to predict the effect of missense changes on protein structure and function are either unavailable or do not agree on the potential impact of this missense change (SIFT: "Not Available"; PolyPhen-2: "Possibly Damaging"; Align-GVGD: "Not Available"). In summary, the available evidence is currently insufficient to determine the role of this variant in disease. Therefore, it has been classified as a Variant of Uncertain Significance. This variant has not been reported in the literature in individuals affected with CEP250-related conditions. ClinVar contains an entry for this variant (Variation ID: 1469928). The frequency data for this variant in the population databases is considered unreliable, as metrics indicate poor data quality at this position in the gnomAD database. This sequence change replaces aspartic acid, which is acidic and polar, with asparagine, which is neutral and polar, at codon 646 of the CEP250 protein (p.Asp646Asn).

Dr. Peter K. Rogan Lab, Western University
No classification provided (evidence only). Condition: Squamous cell lung carcinoma. Review status: no classification provided. Collection method: in vitro. Allele origin: not applicable. Functional consequence: skipped exon. Not counted in ClinVar's aggregate classification.

NM_007186.6(CEP250):c.1936G>A (p.Asp646Asn)

Genes: CEP250-AS1 (CEP250 antisense RNA 1; minus strand), CEP250 (centrosomal protein 250; plus strand). Cytogenetic location: 20q11.22.
Variant type: single nucleotide variant.
Coding change: c.1936G>A on transcript NM_007186.6 (MANE Select); coding-DNA position 1936, G replaced by A.
Protein change: p.Asp646Asn; replaces aspartic acid 646 with asparagine.
Molecular consequence: missense variant.
Genome position (GRCh38, 1-based): chr20:35,477,943, G>A. VCF-style: chr20-35477943-G-A. GRCh37 (hg19) VCF-style: chr20-34065768-G-A.
Other names: c.40G>A, p.Asp14Asn (NM_001318219.1); short protein forms D14N, D646N.
Identifiers: ClinVar variation 1469928 (VCV001469928.9), dbSNP rs1171819903, ClinGen allele CA408766095.
Genomic context (GRCh38, chr20:35,477,943, plus strand): 5'-AACCAGTCTGTGTGCAGCAGAATGGAGGCCGCAGAGCAGGCGAGAAATGCTTTGCAGGTC[G>A]ACCTGGCGGAGGCAGAGAAGAGGAGGGAAGCCCTGTGGGAAAAGAACACTCACCTGGAGG-3'
Protein context (NP_009117.2, residues 636-656): AEQARNALQV[Asp646Asn]LAEAEKRREA